The following is an entry in ClinVar:

ClinVar aggregate classification (germline): Uncertain significance. Review status: criteria provided, multiple submitters, no conflicts (2 of 4 stars). 4 submissions from 4 submitters: Uncertain significance (4). Last evaluated 2025-11-03.

Conditions:
Inborn genetic diseases. Identifiers: MedGen C0950123, MeSH D030342.
Bethlem myopathy 1A. Also called: MYOPATHY, BENIGN CONGENITAL, WITH CONTRACTURES; Bethlem myopathy 1; Bethlem Muscular Dystrophy. Identifiers: Orphanet 610, MedGen CN029274, MONDO:0024530, OMIM 158810.

Allele frequency attached by ClinVar (database versions not stated): ExAC 0.00001; gnomAD 0.00001; TOPMed 0.00002; gnomAD exomes 0.00006.
gnomAD v4.1: 79 of 1,604,958 alleles (0.0049%); highest among the groups gnomAD compares: Non-Finnish European, 0.0065%; no homozygotes.

Submissions (4):

Labcorp Genetics (formerly Invitae), Labcorp
Classification: Uncertain significance for Bethlem myopathy 1A. Last evaluated: 2025-11-03. Review status: criteria provided, single submitter. Criteria: Invitae Variant Classification Sherloc (09022015). Collection method: clinical testing. Allele origin: germline.
Comment: This sequence change replaces glycine, which is neutral and non-polar, with serine, which is neutral and polar, at codon 920 of the COL6A2 protein (p.Gly920Ser). The frequency data for this variant in the population databases is considered unreliable, as metrics indicate poor data quality at this position in the gnomAD database. This variant has not been reported in the literature in individuals affected with COL6A2-related conditions. ClinVar contains an entry for this variant (Variation ID: 2440397). Invitae Evidence Modeling of protein sequence and biophysical properties (such as structural, functional, and spatial information, amino acid conservation, physicochemical variation, residue mobility, and thermodynamic stability) indicates that this missense variant is not expected to disrupt COL6A2 protein function with a negative predictive value of 80%. In summary, the available evidence is currently insufficient to determine the role of this variant in disease. Therefore, it has been classified as a Variant of Uncertain Significance.

Ambry Genetics
Classification: Uncertain significance for Inborn genetic diseases. Last evaluated: 2025-10-29. Review status: criteria provided, single submitter. Criteria: Ambry Variant Classification Scheme 2023. Collection method: clinical testing. Allele origin: germline.

Blueprint Genetics
Classification: Uncertain significance. Last evaluated: 2021-06-07. Review status: criteria provided, single submitter. Criteria: ACMG Guidelines, 2015. Collection method: clinical testing. Allele origin: germline.

Revvity Omics, Revvity
Classification: Uncertain significance. Last evaluated: 2019-04-04. Review status: criteria provided, single submitter. Criteria: ACMG Guidelines, 2015. Collection method: clinical testing. Allele origin: germline.

NM_001849.4(COL6A2):c.2758G>A (p.Gly920Ser)

Gene: COL6A2 (collagen type VI alpha 2 chain; plus strand). Cytogenetic location: 21q22.3.
Variant type: single nucleotide variant.
Coding change: c.2758G>A on transcript NM_001849.4 (MANE Select); coding-DNA position 2758, G replaced by A.
Protein change: p.Gly920Ser; replaces glycine 920 with serine.
Molecular consequence: missense variant.
Genome position (GRCh38, 1-based): chr21:46,132,250, G>A. VCF-style: chr21-46132250-G-A. GRCh37 (hg19) VCF-style: chr21-47552164-G-A.
Other names: short protein forms G920S.
Identifiers: ClinVar variation 2440397 (VCV002440397.6), dbSNP rs758061270, ClinGen allele CA10073010.